The following is an entry in ClinVar:

NM_005359.6(SMAD4):c.1343A>G (p.Gln448Arg)

Gene: SMAD4 (SMAD family member 4; plus strand). Cytogenetic location: 18q21.2.
Variant type: single nucleotide variant.
Coding change: c.1343A>G on transcript NM_005359.6 (MANE Select); coding-DNA position 1343, A replaced by G.
Protein change: p.Gln448Arg; replaces glutamine 448 with arginine.
Molecular consequence: missense variant.
Genome position (GRCh38, 1-based): chr18:51,076,672, A>G. VCF-style: chr18-51076672-A-G. GRCh37 (hg19) VCF-style: chr18-48603042-A-G.
Other names: c.1343A>G, p.Gln448Arg (NM_001407041.1, NM_001407042.1); short protein forms Q448R.
Identifiers: ClinVar variation 1720002 (VCV001720002.6), dbSNP rs1197191570, ClinGen allele CA402465180.

ClinVar aggregate classification (germline): Uncertain significance. Review status: criteria provided, multiple submitters, no conflicts (2 of 4 stars). 2 submissions from 2 submitters: Uncertain significance (2). Last evaluated 2024-11-03.

Conditions:
Juvenile polyposis syndrome (JPS). Identifiers: Orphanet 2929, MedGen C0345893, MONDO:0017380, OMIM 174900.
Hereditary cancer-predisposing syndrome. Also called: Hereditary neoplastic syndrome; Tumor predisposition; Neoplastic Syndromes, Hereditary; Hereditary Cancer Syndrome. Identifiers: Orphanet 140162, MedGen C0027672, MeSH D009386, MONDO:0015356.
Familial thoracic aortic aneurysm and aortic dissection (TAAD). Also called: Thoracic aortic aneurysms and dissections. Identifiers: Orphanet 91387, MedGen C4707243, MONDO:0019625.

Submissions (2):

Ambry Genetics
Classification: Uncertain significance for Hereditary cancer-predisposing syndrome; Familial thoracic aortic aneurysm and aortic dissection. Last evaluated: 2024-11-03. Review status: criteria provided, single submitter. Criteria: Ambry Variant Classification Scheme 2023. Collection method: clinical testing. Allele origin: germline.
Comment: The p.Q448R variant (also known as c.1343A>G), located in coding exon 10 of the SMAD4 gene, results from an A to G substitution at nucleotide position 1343. The glutamine at codon 448 is replaced by arginine, an amino acid with highly similar properties. This amino acid position is conserved. In addition, this alteration is predicted to be deleterious by in silico analysis. Based on the available evidence, the clinical significance of this variant remains unclear.

Labcorp Genetics (formerly Invitae), Labcorp
Classification: Uncertain significance for Juvenile polyposis syndrome. Last evaluated: 2022-09-21. Review status: criteria provided, single submitter. Criteria: Invitae Variant Classification Sherloc (09022015). Collection method: clinical testing. Allele origin: germline.
Comment: In summary, the available evidence is currently insufficient to determine the role of this variant in disease. Therefore, it has been classified as a Variant of Uncertain Significance. Algorithms developed to predict the effect of missense changes on protein structure and function (SIFT, PolyPhen-2, Align-GVGD) all suggest that this variant is likely to be tolerated. This variant has not been reported in the literature in individuals affected with SMAD4-related conditions. This variant is not present in population databases (gnomAD no frequency). This sequence change replaces glutamine, which is neutral and polar, with arginine, which is basic and polar, at codon 448 of the SMAD4 protein (p.Gln448Arg).